The following is an entry in ClinVar:

NM_201378.4(PLEC):c.56G>A (p.Arg19His)

Gene: PLEC (plectin; minus strand). Cytogenetic location: 8q24.3.
Variant type: single nucleotide variant.
Coding change: c.56G>A on transcript NM_201378.4 (MANE Plus Clinical); coding-DNA position 56, G replaced by A.
Protein change: p.Arg19His; replaces arginine 19 with histidine.
Molecular consequence: missense variant. On other transcripts: intron variant (2).
Genome position (GRCh38, 1-based): chr8:143,973,417, C>T on the plus strand (G>A on the coding strand, the complement: PLEC is on the minus strand). VCF-style: chr8-143973417-C-T. GRCh37 (hg19) VCF-style: chr8-145047585-C-T.
Other names: c.193+1760G>A (NM_001410941.1, NM_000445.5); short protein forms R19H.
Identifiers: ClinVar variation 1352295 (VCV001352295.9), dbSNP rs781865032, ClinGen allele CA4929119.

ClinVar aggregate classification (germline): Uncertain significance (1 of 4 stars; one submission).

Conditions:
Epidermolysis bullosa simplex with nail dystrophy (EBS5D). Identifiers: MedGen C4225309, MONDO:0014661, OMIM 616487.
Epidermolysis bullosa simplex, Ogna type (EBS5A). Also called: Pidermolysis bullosa simplex 5A, Ogna type; EPIDERMOLYSIS BULLOSA SIMPLEX 5A, OGNA TYPE. Identifiers: Orphanet 79401, MedGen C0432317, MONDO:0007555, OMIM 131950.
Autosomal recessive limb-girdle muscular dystrophy type 2Q (LGMDR17). Also called: MUSCULAR DYSTROPHY, LIMB-GIRDLE, AUTOSOMAL RECESSIVE 17. Identifiers: Orphanet 254361, MedGen C3150989, MONDO:0013390, OMIM 613723.
Epidermolysis bullosa simplex 5B, with muscular dystrophy (EBS5B). Also called: EPIDERMOLYSIS BULLOSA SIMPLEX AND LIMB-GIRDLE MUSCULAR DYSTROPHY; Epidermolysis bullosa simplex with muscular dystrophy. Identifiers: Orphanet 257, MedGen C2931072, MONDO:0009181, OMIM 226670.
Epidermolysis bullosa simplex 5C, with pyloric atresia (EBS5C). Also called: PLEC-Related Epidermolysis Bullosa with Pyloric Atresia; Epidermolysis bullosa simplex with pyloric atresia; PLEC1-Related Epidermolysis Bullosa with Pyloric Atresia. Identifiers: Orphanet 158684, MedGen C2677349, MONDO:0012807, OMIM 612138.

Allele frequency attached by ClinVar (database versions not stated): TOPMed below 0.00001.

Submission:

Labcorp Genetics (formerly Invitae), Labcorp
Classification: Uncertain significance for Autosomal recessive limb-girdle muscular dystrophy type 2Q; Epidermolysis bullosa simplex, Ogna type; Epidermolysis bullosa simplex with nail dystrophy; Epidermolysis bullosa simplex 5C, with pyloric atresia; Epidermolysis bullosa simplex 5B, with muscular dystrophy. Last evaluated: 2023-05-23. Review status: criteria provided, single submitter. Criteria: Invitae Variant Classification Sherloc (09022015). Collection method: clinical testing. Allele origin: germline.
Comment: The PLEC gene has multiple clinically relevant transcripts. This variant occurs in alternate transcript NM_201378.3, and corresponds to NM_000445.4:c.193+1760G>A in the primary transcript. This sequence change replaces arginine, which is basic and polar, with histidine, which is basic and polar, at codon 19 of the PLEC protein (p.Arg19His). The frequency data for this variant in the population databases is considered unreliable, as metrics indicate poor data quality at this position in the gnomAD database. This variant has not been reported in the literature in individuals affected with PLEC-related conditions. ClinVar contains an entry for this variant (Variation ID: 1352295). Experimental studies and prediction algorithms are not available or were not evaluated, and the functional significance of this variant is currently unknown. Algorithms developed to predict the effect of sequence changes on RNA splicing suggest that this variant is not likely to affect RNA splicing. In summary, the available evidence is currently insufficient to determine the role of this variant in disease. Therefore, it has been classified as a Variant of Uncertain Significance.